The following is an entry in ClinVar:

NM_025074.7(FRAS1):c.9265del (p.Gln3089fs)

Gene: FRAS1 (Fraser extracellular matrix complex subunit 1; plus strand). Cytogenetic location: 4q21.21.
Variant type: Deletion.
Coding change: c.9265del on transcript NM_025074.7 (MANE Select); coding-DNA position 9265, one base deleted (C; older notation c.9265delC).
Protein change: p.Gln3089fs; shifts the reading frame from glutamine 3089.
Molecular consequence: frameshift variant.
Genome position (GRCh38, 1-based): chr4:78,499,870, C deleted; the last of 3 consecutive C bases (chr4:78,499,868-78,499,870); deleting any one gives the same sequence. VCF-style (leftmost placement, unchanged base first): chr4-78499867-GC-G. GRCh37 (hg19) VCF-style: chr4-79421021-GC-G.
Other names: short protein forms Q3089fs.
Identifiers: ClinVar variation 2786967 (VCV002786967.3), dbSNP rs1225338975, ClinGen allele CA798750857.

ClinVar aggregate classification (germline): Pathogenic (1 of 4 stars; one submission).

Submission:

Labcorp Genetics (formerly Invitae), Labcorp
Classification: Pathogenic. Last evaluated: 2025-12-14. Review status: criteria provided, single submitter. Criteria: Invitae Variant Classification Sherloc (09022015). Collection method: clinical testing. Allele origin: germline.
Comment: This sequence change creates a premature translational stop signal (p.Gln3089Serfs*13) in the FRAS1 gene. It is expected to result in an absent or disrupted protein product. Loss-of-function variants in FRAS1 are known to be pathogenic (PMID: 12766769, 18671281). This variant is not present in population databases (gnomAD no frequency). This variant has not been reported in the literature in individuals affected with FRAS1-related conditions. ClinVar contains an entry for this variant (Variation ID: 2786967). For these reasons, this variant has been classified as Pathogenic.

Literature cited by the submitters: PubMed 12766769; PubMed 18671281.